The following is an entry in ClinVar:

NM_004360.5(CDH1):c.2209G>T (p.Val737Phe)

Gene: CDH1 (cadherin 1; plus strand). Cytogenetic location: 16q22.1.
Variant type: single nucleotide variant.
Coding change: c.2209G>T on transcript NM_004360.5 (MANE Select); coding-DNA position 2209, G replaced by T.
Protein change: p.Val737Phe; replaces valine 737 with phenylalanine.
Molecular consequence: missense variant.
Genome position (GRCh38, 1-based): chr16:68,828,218, G>T. VCF-style: chr16-68828218-G-T. GRCh37 (hg19) VCF-style: chr16-68862121-G-T.
Other names: c.2026G>T, p.Val676Phe (NM_001317184.2); c.661G>T, p.Val221Phe (NM_001317185.2); c.244G>T, p.Val82Phe (NM_001317186.2); short protein forms V221F, V737F, V676F, V82F.
Identifiers: ClinVar variation 918370 (VCV000918370.4), dbSNP rs1555517644, ClinGen allele CA396469592.

ClinVar aggregate classification (germline): Uncertain significance (1 of 4 stars; one submission).

Conditions:
Hereditary cancer-predisposing syndrome. Also called: Neoplastic Syndromes, Hereditary; Tumor predisposition; Hereditary Cancer Syndrome; Hereditary neoplastic syndrome. Identifiers: Orphanet 140162, MedGen C0027672, MeSH D009386, MONDO:0015356.

Submission:

Color Diagnostics, LLC DBA Color Health
Classification: Uncertain significance for Hereditary cancer-predisposing syndrome. Last evaluated: 2023-12-04. Review status: criteria provided, single submitter. Criteria: ACMG Guidelines, 2015. Collection method: clinical testing. Allele origin: germline.
Comment: This missense variant replaces valine with phenylalanine at codon 737 of the CDH1 protein. To our knowledge, functional studies have not been reported for this variant. This variant has not been reported in individuals affected with CDH1-related disorders in the literature. This variant has not been identified in the general population by the Genome Aggregation Database (gnomAD). The available evidence is insufficient to determine the role of this variant in disease conclusively. Therefore, this variant is classified as a Variant of Uncertain Significance.